The following is an entry in ClinVar:

ClinVar aggregate classification (germline): Uncertain significance. Review status: criteria provided, multiple submitters, no conflicts (2 of 4 stars). 2 submissions from 2 submitters: Uncertain significance (2). Last evaluated 2020-02-13.

Conditions:
Familial adenomatous polyposis 1 (FAP1). Also called: FAMILIAL ADENOMATOUS POLYPOSIS 1, ATTENUATED; POLYPOSIS, ADENOMATOUS INTESTINAL. Identifiers: MedGen C2713442, MONDO:0021056, OMIM 175100. Disease mechanism: loss of function.
Hereditary cancer-predisposing syndrome. Also called: Hereditary Cancer Syndrome; Tumor predisposition; Hereditary neoplastic syndrome; Neoplastic Syndromes, Hereditary. Identifiers: Orphanet 140162, MedGen C0027672, MeSH D009386, MONDO:0015356.

Submissions (2):

Labcorp Genetics (formerly Invitae), Labcorp
Classification: Uncertain significance for Familial adenomatous polyposis 1. Last evaluated: 2020-02-13. Review status: criteria provided, single submitter. Criteria: Invitae Variant Classification Sherloc (09022015). Collection method: clinical testing. Allele origin: germline.
Comment: In summary, the available evidence is currently insufficient to determine the role of this variant in disease. Therefore, it has been classified as a Variant of Uncertain Significance. This sequence change replaces methionine with arginine at codon 2491 of the APC protein (p.Met2491Arg). The methionine residue is highly conserved and there is a moderate physicochemical difference between methionine and arginine. This variant is not present in population databases (ExAC no frequency). This variant has not been reported in the literature in individuals with APC-related conditions. Algorithms developed to predict the effect of missense changes on protein structure and function are either unavailable or do not agree on the potential impact of this missense change (SIFT: "Deleterious"; PolyPhen-2: "Possibly Damaging"; Align-GVGD: "Class C0"). Algorithms developed to predict the effect of sequence changes on RNA splicing suggest that this variant may create or strengthen a splice site, but this prediction has not been confirmed by published transcriptional studies.

Ambry Genetics
Classification: Uncertain significance for Hereditary cancer-predisposing syndrome. Last evaluated: 2020-01-23. Review status: criteria provided, single submitter. Criteria: Ambry Variant Classification Scheme 2023. Collection method: clinical testing. Allele origin: germline.
Comment: The p.M2491R variant (also known as c.7472T>G), located in coding exon 15 of the APC gene, results from a T to G substitution at nucleotide position 7472. The methionine at codon 2491 is replaced by arginine, an amino acid with similar properties. This amino acid position is highly conserved in available vertebrate species. In addition, in silico predictors for this gene do not accurately predict pathogenicity. Since supporting evidence is limited at this time, the clinical significance of this alteration remains unclear.

NM_000038.6(APC):c.7472T>G (p.Met2491Arg)

Gene: APC (APC regulator of Wnt signaling pathway; plus strand). Cytogenetic location: 5q22.2.
Variant type: single nucleotide variant.
Coding change: c.7472T>G on transcript NM_000038.6 (MANE Select); coding-DNA position 7472, T replaced by G.
Protein change: p.Met2491Arg; replaces methionine 2491 with arginine.
Molecular consequence: missense variant.
Genome position (GRCh38, 1-based): chr5:112,843,066, T>G. VCF-style: chr5-112843066-T-G. GRCh37 (hg19) VCF-style: chr5-112178763-T-G.
Other names: c.7472T>G, p.Met2491Arg (NM_001354895.2, NM_001127510.3); c.7526T>G, p.Met2509Arg (NM_001354896.2); c.7502T>G, p.Met2501Arg (NM_001354897.2); c.7397T>G, p.Met2466Arg (NM_001354898.2); c.7388T>G, p.Met2463Arg (NM_001354899.2); c.7349T>G, p.Met2450Arg (NM_001354900.2); c.7295T>G, p.Met2432Arg (NM_001354901.2); c.7199T>G, p.Met2400Arg (NM_001354902.2); and 5 more; short protein forms M2208R, M2331R, M2365R, M2390R, M2400R, M2432R, M2450R, M2463R.
Identifiers: ClinVar variation 1054931 (VCV001054931.12), dbSNP rs369075403, ClinGen allele CA16037586.